The following is an entry in ClinVar:

NM_001393769.1(MED12L):c.4299A>T (p.Gly1433=)

Genes: MED12L (mediator complex subunit 12L; plus strand), P2RY12 (purinergic receptor P2Y12; minus strand). Cytogenetic location: 3q25.1.
Variant type: single nucleotide variant.
Coding change: c.4299A>T on transcript NM_001393769.1 (MANE Select); coding-DNA position 4299, A replaced by T.
Protein change: p.Gly1433=; no amino-acid change (glycine 1433 retained).
Molecular consequence: synonymous variant. On other transcripts: intron variant (1).
Genome position (GRCh38, 1-based): chr3:151,377,161, A>T. VCF-style: chr3-151377161-A-T. GRCh37 (hg19) VCF-style: chr3-151094949-A-T.
Other names: c.4194A>T, p.Gly1398= (NM_053002.6); c.-180+7531T>A (NM_022788.5).
Identifiers: ClinVar variation 4964722 (VCV004964722.2).

ClinVar aggregate classification (germline): Likely benign. Review status: criteria provided, multiple submitters, no conflicts (2 of 4 stars). 2 submissions from 2 submitters: Likely benign (2). Last evaluated 2026-08-01.

gnomAD v4.1: 678 of 1,610,158 alleles (0.042%); highest among the groups gnomAD compares: African/African-American, 0.8%; 8 homozygotes.

Submissions (2):

CeGaT Center for Human Genetics Tuebingen
Classification: Likely benign. Last evaluated: 2026-08-01. Review status: criteria provided, single submitter. Criteria: CeGaT Center For Human Genetics Tuebingen Variant Classification Criteria Version 2. Collection method: clinical testing. Allele origin: germline. Affected: yes. Observed: 1 variant allele.
Comment: MED12L: BP4, BP7, BS1

Blueprint Genetics
Classification: Likely benign. Last evaluated: 2024-11-26. Review status: criteria provided, single submitter. Criteria: ACMG Guidelines, 2015. Collection method: clinical testing. Allele origin: germline.